The following is an entry in ClinVar:

NM_005070.4(SLC4A3):c.511G>C (p.Asp171His)

Gene: SLC4A3 (solute carrier family 4 member 3; plus strand). Cytogenetic location: 2q35.
Variant type: single nucleotide variant.
Coding change: c.511G>C on transcript NM_005070.4 (MANE Select); coding-DNA position 511, G replaced by C.
Protein change: p.Asp171His; replaces aspartic acid 171 with histidine.
Molecular consequence: missense variant. On other transcripts: non-coding transcript variant (1).
Genome position (GRCh38, 1-based): chr2:219,629,595, G>C. VCF-style: chr2-219629595-G-C. GRCh37 (hg19) VCF-style: chr2-220494317-G-C.
Other names: c.511G>C, p.Asp171His (NM_001326559.2, NM_201574.3); short protein forms D171H.
Identifiers: ClinVar variation 3345621 (VCV003345621.1).

ClinVar aggregate classification (germline): Uncertain significance (0 of 4 stars; one submission).

Conditions:
SLC4A3-related disorder. Also called: SLC4A3-related condition.

gnomAD v4.1: 12 of 1,612,932 alleles (0.00074%); highest among the groups gnomAD compares: Non-Finnish European, 0.001%; no homozygotes.

Submission:

PreventionGenetics, part of Exact Sciences
Classification: Uncertain significance for SLC4A3-related condition. Last evaluated: 2024-07-08. Review status: no assertion criteria provided. Collection method: clinical testing. Allele origin: germline.
Comment: The SLC4A3 c.511G>C variant is predicted to result in the amino acid substitution p.Asp171His. To our knowledge, this variant has not been reported in the literature. This variant is reported in 0.00088% of alleles in individuals of European (Non-Finnish) descent in gnomAD. At this time, the clinical significance of this variant is uncertain due to the absence of conclusive functional and genetic evidence.